The following is an entry in ClinVar:

NM_000138.5(FBN1):c.4803C>T (p.Thr1601=)

Gene: FBN1 (fibrillin 1; minus strand). Cytogenetic location: 15q21.1.
Variant type: single nucleotide variant.
Coding change: c.4803C>T on transcript NM_000138.5 (MANE Select); coding-DNA position 4803, C replaced by T.
Protein change: p.Thr1601=; no amino-acid change (threonine 1601 retained).
Molecular consequence: synonymous variant.
Genome position (GRCh38, 1-based): chr15:48,465,803, G>A on the plus strand (C>T on the coding strand, the complement: FBN1 is on the minus strand). VCF-style: chr15-48465803-G-A. GRCh37 (hg19) VCF-style: chr15-48758000-G-A.
Identifiers: ClinVar variation 699942 (VCV000699942.15), dbSNP rs747757998, ClinGen allele CA269549797.

ClinVar aggregate classification (germline): Likely benign. Review status: criteria provided, multiple submitters, no conflicts (2 of 4 stars). 6 submissions from 6 submitters: Likely benign (6). Last evaluated 2026-01-04.

Conditions:
Marfan syndrome (MFS). Also called: MARFAN SYNDROME, TYPE I; FBN1-Related Marfan Syndrome; Marfan syndrome type 1; Marfan's syndrome; Marfan syndrome, classic. Identifiers: Orphanet 284963, Orphanet 558, MedGen C0024796, MONDO:0007947, OMIM 154700.
Familial thoracic aortic aneurysm and aortic dissection (TAAD). Also called: Thoracic aortic aneurysms and dissections. Identifiers: Orphanet 91387, MedGen C4707243, MONDO:0019625.

Allele frequency attached by ClinVar (database versions not stated): TOPMed 0.00004; gnomAD 0.00003.
gnomAD v4.1: 51 of 1,613,428 alleles (0.0032%); highest among the groups gnomAD compares: African/African-American, 0.0067%; no homozygotes.

Submissions (6):

Labcorp Genetics (formerly Invitae), Labcorp
Classification: Likely benign for Marfan syndrome; Familial thoracic aortic aneurysm and aortic dissection. Last evaluated: 2026-01-04. Review status: criteria provided, single submitter. Criteria: Invitae Variant Classification Sherloc (09022015). Collection method: clinical testing. Allele origin: germline.

All of Us Research Program, National Institutes of Health
Classification: Likely benign for Marfan syndrome. Last evaluated: 2023-10-27. Review status: criteria provided, single submitter. Criteria: ACMG Guidelines, 2015. Collection method: clinical testing. Allele origin: germline. Inheritance: Autosomal dominant inheritance. Observed: 5 variant alleles, 5 heterozygotes.
Comment: This study involves interpretation of variants in research participants for the purpose of population health screening. Participant phenotype was not available at the time of variant classification. Additional details can be found in publication PMID: 35346344, PMCID: PMC8962531

Ambry Genetics
Classification: Likely benign for Familial thoracic aortic aneurysm and aortic dissection. Last evaluated: 2023-06-19. Review status: criteria provided, single submitter. Criteria: Ambry Variant Classification Scheme 2023. Collection method: clinical testing. Allele origin: germline.

Blueprint Genetics
Classification: Likely benign. Last evaluated: 2022-07-19. Review status: criteria provided, single submitter. Criteria: ACMG Guidelines, 2015. Collection method: clinical testing. Allele origin: germline.

Women's Health and Genetics/Laboratory Corporation of America, LabCorp
Classification: Likely benign. Last evaluated: 2020-01-31. Review status: criteria provided, single submitter. Criteria: LabCorp Variant Classification Summary - May 2015. Collection method: clinical testing. Allele origin: germline.

Color Diagnostics, LLC DBA Color Health
Classification: Likely benign for Familial thoracic aortic aneurysm and aortic dissection. Last evaluated: 2019-01-31. Review status: criteria provided, single submitter. Criteria: ACMG Guidelines, 2015. Collection method: clinical testing. Allele origin: germline.